The following is an entry in ClinVar:

NM_206933.4(USH2A):c.8881A>G (p.Thr2961Ala)

Gene: USH2A (usherin; minus strand). Cytogenetic location: 1q41.
Variant type: single nucleotide variant.
Coding change: c.8881A>G on transcript NM_206933.4 (MANE Select); coding-DNA position 8881, A replaced by G.
Protein change: p.Thr2961Ala; replaces threonine 2961 with alanine.
Molecular consequence: missense variant.
Genome position (GRCh38, 1-based): chr1:215,845,998, T>C on the plus strand (A>G on the coding strand, the complement: USH2A is on the minus strand). VCF-style: chr1-215845998-T-C. GRCh37 (hg19) VCF-style: chr1-216019340-T-C.
Other names: short protein forms T2961A.
Identifiers: ClinVar variation 1403783 (VCV001403783.5), dbSNP rs758748351, ClinGen allele CA37444506.

ClinVar aggregate classification (germline): Uncertain significance (1 of 4 stars; one submission).

gnomAD v4.1: 6 of 1,613,680 alleles (0.00037%); highest among the groups gnomAD compares: Non-Finnish European, 0.00051%; no homozygotes.

Submission:

Labcorp Genetics (formerly Invitae), Labcorp
Classification: Uncertain significance. Last evaluated: 2022-06-20. Review status: criteria provided, single submitter. Criteria: Invitae Variant Classification Sherloc (09022015). Collection method: clinical testing. Allele origin: germline.
Comment: This sequence change replaces threonine, which is neutral and polar, with alanine, which is neutral and non-polar, at codon 2961 of the USH2A protein (p.Thr2961Ala). This variant is present in population databases (rs758748351, gnomAD 0.0009%). This variant has not been reported in the literature in individuals affected with USH2A-related conditions. Algorithms developed to predict the effect of missense changes on protein structure and function are either unavailable or do not agree on the potential impact of this missense change (SIFT: "Tolerated"; PolyPhen-2: "Possibly Damaging"; Align-GVGD: "Class C0"). In summary, the available evidence is currently insufficient to determine the role of this variant in disease. Therefore, it has been classified as a Variant of Uncertain Significance.